The following is an entry in ClinVar:

NM_032360.4(ACBD6):c.360dup (p.Leu121fs)

Gene: ACBD6 (acyl-CoA binding domain containing 6; minus strand). Cytogenetic location: 1q25.3.
Variant type: Duplication.
Coding change: c.360dup on transcript NM_032360.4 (MANE Select); coding-DNA position 360, one base duplicated (A; older notation c.360dupA).
Protein change: p.Leu121fs; shifts the reading frame from leucine 121.
Molecular consequence: frameshift variant.
Genome position (GRCh38, 1-based): chr1:180,492,293, T duplicated on the plus strand (A on the coding strand, the reverse complement: ACBD6 is on the minus strand); the first of 6 consecutive T bases (chr1:180,492,293-180,492,298); duplicating any one gives the same sequence. VCF-style (leftmost placement, unchanged base first): chr1-180492292-G-GT. GRCh37 (hg19) VCF-style: chr1-180461427-G-GT.
Other names: c.360dupA (NM_032360.4); short protein forms L121fs.
Identifiers: ClinVar variation 1177532 (VCV001177532.6), dbSNP rs1412804743, ClinGen allele CA2573051431.

ClinVar aggregate classification (germline): Pathogenic. Review status: criteria provided, single submitter (1 of 4 stars). 3 submissions from 3 submitters: Pathogenic (1). 2 of the submissions do not count toward it. Last evaluated 2025-10-31.

Conditions:
Intellectual disability. Also called: Intellectual functioning disability; intellectual disabilities; Intellectual developmental disorder. Identifiers: MedGen C3714756, MeSH D008607, MONDO:0001071, HP:0001249.
Neurodevelopmental disorder with progressive movement abnormalities. Identifiers: MedGen C5935606, MONDO:0968976, OMIM 620785.

Submissions (3):

3billion
Classification: Pathogenic for Neurodevelopmental disorder with progressive movement abnormalities. Last evaluated: 2025-10-31. Review status: criteria provided, single submitter. Criteria: ACMG Guidelines, 2015. Collection method: clinical testing. Allele origin: germline. Affected: yes.
Comment: The variant is observed at an extremely low frequency in the gnomAD v4.1.0 dataset (total allele frequency: <0.001%). Predicted Consequence/Location: Frameshift: predicted to result in a loss or disruption of normal protein function through nonsense-mediated decay (NMD) or protein truncation. Multiple pathogenic variants are reported downstream of the variant. The variant has been reported to be associated with ACBD6-related disorder (ClinVar ID: VCV001177532 /PMID: 36457943). Therefore, this variant is classified as Pathogenic according to the recommendation of ACMG/AMP guideline.

OMIM
Classification: Pathogenic for NEURODEVELOPMENTAL DISORDER WITH PROGRESSIVE MOVEMENT ABNORMALITIES. Last evaluated: 2024-04-17. Review status: no assertion criteria provided. Collection method: literature only. Allele origin: germline. Not counted in ClinVar's aggregate classification.

Excellence Center for Genomics and Precision Medicine, King Chulalongkorn Memorial Hospital
Classification: Pathogenic for Intellectual disability. Review status: no assertion criteria provided. Collection method: research. Allele origin: inherited. Inheritance: Autosomal recessive inheritance. Affected: yes. Not counted in ClinVar's aggregate classification.

Literature cited by the submitters: PubMed 36457943 (cited by 3billion and OMIM).